The following is an entry in ClinVar:

ClinVar aggregate classification (germline): Pathogenic. Review status: criteria provided, multiple submitters, no conflicts (2 of 4 stars). 11 submissions from 11 submitters: Pathogenic (10). 1 of the submissions does not count toward it. Last evaluated 2026-03-28.

Conditions:
Hypertelorism. Identifiers: MedGen C0020534, OMIM 145400, HP:0000316.
Intestinal duplication. Identifiers: MedGen C0266166, HP:0100668.
Diaphragmatic eventration. Also called: Diaphragmatic eventration (disease). Identifiers: MedGen C0011981, MeSH D003965, MONDO:0006726, HP:0009110.
Megalencephaly, autosomal dominant. Identifiers: MedGen C3805727, MONDO:0007961, OMIM 155350.
Abnormality of the hairline. Identifiers: MedGen C4024297, HP:0009553.
Cowden syndrome (CS). Also called: Cowden's disease; Cowden's syndrome; Cowden disease. Identifiers: Orphanet 201, MedGen C0018553, MONDO:0016063. Disease mechanism: gain of function.
Inborn genetic diseases. Identifiers: MedGen C0950123, MeSH D030342.
PIK3CA constitutional syndrome.
PIK3CA-related disorder. Also called: PIK3CA- related disease; PIK3CA-related disorders; PIK3CA-related condition.
PIK3CA related overgrowth syndrome. Also called: PIK3CA related overgrowth spectrum; PIK3CA-Related Segmental Overgrowth. Identifiers: Orphanet 530313, MedGen C4728213, MONDO:1040002.
Cowden syndrome 5 (CWS5). Identifiers: Orphanet 201, MedGen C3554518, MONDO:0014047, OMIM 615108.

Submissions (11):

Laboratoire de Cytogenomique, Chu Angers
Classification: Pathogenic for PIK3CA constitutional syndrome. Last evaluated: 2026-03-28. Review status: criteria provided, single submitter. Criteria: ACMG Guidelines, 2015. Collection method: clinical testing. Allele origin: de novo. Affected: yes. Observed: 2 variant alleles.
Comment: The PIK3CA NM_006218.4:c.1030G>A (p.Val344Met) variant is a missense variant affecting the C2 domain of the p110α protein, a region involved in membrane binding and proper localization of the enzyme (PM1, PP2). This variant is absent from population databases (gnomAD v4) (PM2). The variant was identified de novo in two unrelated individuals (PS2). It was observed in individuals presenting with phenotypes consistent with PIK3CA-related disorders, including macrocephaly (+3 SD and +4.8 SD), megalencephaly. This variant has been previously reported in multiple individuals with constitutional PIK3CA-related phenotypes, supporting its clinical relevance (PMID: 23946963; 29296277; 31568861; 36458889) (PP5_very_strong). In summary, this variant is classified as pathogenic according to ACMG/AMP criteria: PS2, PM1, PM2, PP2, PP5_very_strong.

Blueprint Genetics
Classification: Pathogenic for PIK3CA-related disorders. Last evaluated: 2024-10-10. Review status: criteria provided, single submitter. Criteria: ACMG Guidelines, 2015. Collection method: clinical testing. Allele origin: germline. Affected: yes. Observed: 3 variant alleles.

Ambry Genetics
Classification: Pathogenic for Inborn genetic diseases. Last evaluated: 2024-09-26. Review status: criteria provided, single submitter. Criteria: Ambry Variant Classification Scheme 2023. Collection method: clinical testing. Allele origin: germline.
Comment: The c.1030G>A (p.V344M) alteration is located in exon 5 (coding exon 4) of the PIK3CA gene. This alteration results from a G to A substitution at nucleotide position 1030, causing the valine (V) at amino acid position 344 to be replaced by a methionine (M). This variant was not reported in population-based cohorts in the Genome Aggregation Database (gnomAD). This variant has been determined to be the result of a mosaic or heterozygous mutation, de novo when parents were tested, in multiple individuals with megalencephaly, macrocephaly, hemihypertrophy, polydactyly, autism, speech delay, and/or dysmorphic facial features (Mirzaa, 2016; De Graer, 2020; Cooley Coleman, 2023; DECIPHER). This amino acid position is highly conserved in available vertebrate species. The in silico prediction for this alteration is inconclusive. Based on the available evidence, this alteration is classified as pathogenic.

GeneDx
Classification: Pathogenic. Last evaluated: 2024-05-20. Review status: criteria provided, single submitter. Criteria: GeneDx Variant Classification Process June 2021. Collection method: clinical testing. Allele origin: germline. Affected: yes.
Comment: Not observed at significant frequency in large population cohorts (gnomAD); In silico analysis supports that this missense variant does not alter protein structure/function; This variant is associated with the following publications: (PMID: 21984976, 26226847, 31278258, 26492180, 34906519, 26619011, 24573554, 22653804, 25343854, 22102435, 23907151, 27631024, 30167082, 28973083, 29296277, 31568861, 31785789, 35599849)

CeGaT Center for Human Genetics Tuebingen
Classification: Pathogenic. Last evaluated: 2023-03-01. Review status: criteria provided, single submitter. Criteria: CeGaT Center For Human Genetics Tuebingen Variant Classification Criteria Version 2. Collection method: clinical testing. Allele origin: germline. Affected: yes. Observed: 1 variant allele.
Comment: PIK3CA: PS2, PM2, PS4:Moderate, PP3, PP4

Baylor Genetics
Classification: Pathogenic for Cowden syndrome 5. Last evaluated: 2022-11-07. Review status: criteria provided, single submitter. Criteria: ACMG Guidelines, 2015. Collection method: clinical testing. Allele origin: unknown.

MGZ Medical Genetics Center
Classification: Pathogenic for Cowden syndrome 5. Last evaluated: 2022-04-04. Review status: criteria provided, single submitter. Criteria: ACMG Guidelines, 2015. Collection method: clinical testing. Allele origin: germline. Affected: yes. Observed: 1 variant allele.
Comment: ACMG criteria applied: PS2, PM1, PM5, PM2_SUP, PP2, PP3

Labcorp Genetics (formerly Invitae), Labcorp
Classification: Pathogenic for Cowden syndrome. Last evaluated: 2021-07-18. Review status: criteria provided, single submitter. Criteria: Invitae Variant Classification Sherloc (09022015). Collection method: clinical testing. Allele origin: germline.
Comment: For these reasons, this variant has been classified as Pathogenic. This sequence change replaces valine with methionine at codon 344 of the PIK3CA protein (p.Val344Met). The valine residue is highly conserved and there is a small physicochemical difference between valine and methionine. This variant is not present in population databases (ExAC no frequency). This missense change has been observed in individual(s) with megalencephaly (PMID: 27631024; Invitae). In at least one individual the variant was observed to be de novo. ClinVar contains an entry for this variant (Variation ID: 376498). Algorithms developed to predict the effect of missense changes on protein structure and function are either unavailable or do not agree on the potential impact of this missense change (SIFT: "Deleterious"; PolyPhen-2: "Probably Damaging"; Align-GVGD: "Class C0").

Illumina Laboratory Services, Illumina
Classification: Pathogenic for PIK3CA related overgrowth syndrome. Last evaluated: 2021-05-23. Review status: criteria provided, single submitter. Criteria: ICSLVariantClassificationCriteria RUGD 01 April 2020. Collection method: clinical testing. Allele origin: unknown.
Comment: The PIK3CA c.1030G>A p.(Val344Met) variant is a missense variant that has been reported in a heterozygous state in three individuals with features of megalencephaly-capillary malformation; the variant was maternally inherited in one individual and occurred de novo in the other two cases (Mirzaa et al. 2016; Yeung et al. 2017; De Graer et al. 2020). Meng et al. (2017) also reported the variant in a heterozygous state in a critically ill infant for whom no additional phenotype details were provided. This variant is not observed in version 2.1.1 or 3.1.2 of the Genome Aggregation Database. Based on the collective evidence the c.1030G>A p.(Val344Met) variant is classified as pathogenic for PIK3CA-related overgrowth spectrum.

Molecular Genetics Laboratory, BC Children's and BC Women's Hospitals
Classification: Pathogenic for Cowden syndrome 5. Last evaluated: 2018-06-25. Review status: criteria provided, single submitter. Criteria: ACMG Guidelines, 2015. Collection method: clinical testing. Allele origin: de novo. Affected: yes.

Center of Human Genetics, Erasme Hospital
Classification: Pathogenic for Megalencephaly; Hypertelorism; Diaphragmatic eventration; Abnormality of the hairline; Intestinal duplication. Last evaluated: 2019-06-06. Review status: no assertion criteria provided. Collection method: clinical testing. Allele origin: germline. Inheritance: Autosomal dominant inheritance. Affected: yes. Observed: 1 heterozygote. Not counted in ClinVar's aggregate classification.
Comment: In addition, the c.1030G>A p.(Val344Met) variant has been previously reported at de novo constitutional state in two patients presenting megalencephaly (Mirzaa et al., 2016; Yeung et al., 2017). Moreover, this variant is listed in the Catalogue of Somatic Mutations in Cancer (COSMIC accession: COSM253279, COSM253280) and found in several types of carcinoma, glioma and angiosarcoma. Moreover, this variant is not present in frequency databases (gnomAD, Exome Variant Server) and several prediction tools (PolyPhen2, SIFT, LRT, MutationTaster, etc) agree to predict this change as deleterious. Overall, the c.1030G>A p.(Val344Met) variant meets our criteria to be classified as pathogenic.

Literature cited by the submitters: PubMed 23946963 (cited by Laboratoire de Cytogenomique, Chu Angers); PubMed 29296277 (cited by Laboratoire de Cytogenomique, Chu Angers); PubMed 31568861 (cited by 3 submitters); PubMed 36458889 (cited by Laboratoire de Cytogenomique, Chu Angers and Ambry Genetics); PubMed 27631024 (cited by Ambry Genetics and Labcorp Genetics (formerly Invitae), Labcorp); PubMed 34906519 (cited by Ambry Genetics).

NM_006218.4(PIK3CA):c.1030G>A (p.Val344Met)

Gene: PIK3CA (phosphatidylinositol-4,5-bisphosphate 3-kinase catalytic subunit alpha; plus strand). Cytogenetic location: 3q26.32.
Variant type: single nucleotide variant.
Coding change: c.1030G>A on transcript NM_006218.4 (MANE Select); coding-DNA position 1030, G replaced by A.
Protein change: p.Val344Met; replaces valine 344 with methionine.
Molecular consequence: missense variant.
Genome position (GRCh38, 1-based): chr3:179,203,760, G>A. VCF-style: chr3-179203760-G-A. GRCh37 (hg19) VCF-style: chr3-178921548-G-A.
Other names: c.1030G>A (LRG_310t1); short protein forms V344M.
Identifiers: ClinVar variation 376498 (VCV000376498.49), dbSNP rs1057519942, ClinGen allele CA16602930.